The following is an entry in ClinVar:

ClinVar aggregate classification (germline): Uncertain significance (1 of 4 stars; one submission).

Conditions:
RASopathy. Also called: rasopathies; Noonan spectrum disorder. Identifiers: Orphanet 536391, MedGen C5555857, MONDO:0021060.

Submission:

Labcorp Genetics (formerly Invitae), Labcorp
Classification: Uncertain significance for RASopathy. Last evaluated: 2025-08-20. Review status: criteria provided, single submitter. Criteria: Invitae Variant Classification Sherloc (09022015). Collection method: clinical testing. Allele origin: germline.
Comment: This sequence change replaces valine, which is neutral and non-polar, with alanine, which is neutral and non-polar, at codon 1282 of the SOS1 protein (p.Val1282Ala). This variant is not present in population databases (gnomAD no frequency). This variant has not been reported in the literature in individuals affected with SOS1-related conditions. Invitae Evidence Modeling of protein sequence and biophysical properties (such as structural, functional, and spatial information, amino acid conservation, physicochemical variation, residue mobility, and thermodynamic stability) indicates that this missense variant is not expected to disrupt SOS1 protein function with a negative predictive value of 95%. In summary, the available evidence is currently insufficient to determine the role of this variant in disease. Therefore, it has been classified as a Variant of Uncertain Significance.

NM_005633.4(SOS1):c.3845T>C (p.Val1282Ala)

Gene: SOS1 (SOS Ras/Rac guanine nucleotide exchange factor 1; minus strand). Cytogenetic location: 2p22.1.
Variant type: single nucleotide variant.
Coding change: c.3845T>C on transcript NM_005633.4 (MANE Select); coding-DNA position 3845, T replaced by C.
Protein change: p.Val1282Ala; replaces valine 1282 with alanine.
Molecular consequence: missense variant.
Genome position (GRCh38, 1-based): chr2:38,985,981, A>G on the plus strand (T>C on the coding strand, the complement: SOS1 is on the minus strand). VCF-style: chr2-38985981-A-G. GRCh37 (hg19) VCF-style: chr2-39213122-A-G.
Other names: c.3824T>C, p.Val1275Ala (NM_001382394.1); c.3800T>C, p.Val1267Ala (NM_001382395.1); short protein forms V1267A, V1275A, V1282A.
Identifiers: ClinVar variation 4809417 (VCV004809417.1).